The following is an entry in ClinVar:

NM_015978.3(TNNI3K):c.209dup (p.Leu71fs)

Genes: FPGT-TNNI3K (FPGT-TNNI3K readthrough; plus strand), TNNI3K (TNNI3 interacting kinase; plus strand). Cytogenetic location: 1p31.1.
Variant type: Duplication.
Coding change: c.209dup on transcript NM_015978.3 (MANE Select); coding-DNA position 209, one base duplicated (T; older notation c.209dupT).
Protein change: p.Leu71fs; shifts the reading frame from leucine 71.
Molecular consequence: frameshift variant.
Genome position (GRCh38, 1-based): chr1:74,249,518, T duplicated. VCF-style (leftmost placement, unchanged base first): chr1-74249517-C-CT. GRCh37 (hg19) VCF-style: chr1-74715201-C-CT.
Other names: c.512dup, p.Leu172fs (NM_001112808.3, NM_001199327.2); short protein forms L172fs, L71fs.
Identifiers: ClinVar variation 2881473 (VCV002881473.3), dbSNP rs776394859, ClinGen allele CA908804.

ClinVar aggregate classification (germline): Uncertain significance (1 of 4 stars; one submission).

Allele frequency attached by ClinVar (database versions not stated): gnomAD exomes below 0.00001; ExAC 0.00001.

Submission:

Labcorp Genetics (formerly Invitae), Labcorp
Classification: Uncertain significance. Last evaluated: 2024-01-31. Review status: criteria provided, single submitter. Criteria: Invitae Variant Classification Sherloc (09022015). Collection method: clinical testing. Allele origin: germline.
Comment: This sequence change creates a premature translational stop signal (p.Leu71Thrfs*43) in the TNNI3K gene. It is expected to result in an absent or disrupted protein product. However, the current clinical and genetic evidence is not sufficient to establish whether loss-of-function variants in TNNI3K cause disease. This variant is present in population databases (rs776394859, gnomAD 0.0009%). This variant has not been reported in the literature in individuals affected with TNNI3K-related conditions. In summary, the available evidence is currently insufficient to determine the role of this variant in disease. Therefore, it has been classified as a Variant of Uncertain Significance.